The following is an entry in ClinVar:

ClinVar aggregate classification (germline): Uncertain significance (1 of 4 stars; one submission).

Conditions:
Hereditary cancer-predisposing syndrome. Also called: Tumor predisposition; Hereditary neoplastic syndrome; Hereditary Cancer Syndrome; Neoplastic Syndromes, Hereditary. Identifiers: Orphanet 140162, MedGen C0027672, MeSH D009386, MONDO:0015356.

Submission:

Ambry Genetics
Classification: Uncertain significance for Hereditary cancer-predisposing syndrome. Last evaluated: 2023-10-21. Review status: criteria provided, single submitter. Criteria: Ambry Variant Classification Scheme 2023. Collection method: clinical testing. Allele origin: germline.
Comment: The c.37+4A>G intronic variant results from an A to G substitution 4 nucleotides after coding exon 1 in the NBN gene. This nucleotide position is well conserved in available vertebrate species. In silico splice site analysis predicts that this alteration will not have any significant effect on splicing. Since supporting evidence is limited at this time, the clinical significance of this alteration remains unclear.

NM_002485.5(NBN):c.37+4A>G

Gene: NBN (nibrin; minus strand). Cytogenetic location: 8q21.3.
Variant type: single nucleotide variant.
Coding change: c.37+4A>G on transcript NM_002485.5 (MANE Select); 4 bases into the intron after coding-DNA position 37, A replaced by G.
Molecular consequence: intron variant.
Genome position (GRCh38, 1-based): chr8:89,984,521, T>C on the plus strand (A>G on the coding strand, the complement: NBN is on the minus strand). VCF-style: chr8-89984521-T-C. GRCh37 (hg19) VCF-style: chr8-90996749-T-C.
Other names: c.-260+4A>G (NM_001024688.3).
Identifiers: ClinVar variation 3222434 (VCV003222434.1), dbSNP rs1586115968, ClinGen allele CA2579201954.
Genomic context (GRCh38, chr8:89,984,521, plus strand): 5'-AGGCCCTCCCCCGAGGCAGTCGCTACCGGGAAAATAGGCCCCGAGGCTTCCCTTCTGCCC[T>C]TACCTCCTGCCGGGCCCGCGGCGGGCAGCAGTTTCCACATCGGTCCGGCTCCTCAGGGCT-3'